The following is an entry in ClinVar:

ClinVar aggregate classification (germline): Conflicting classifications of pathogenicity. Review status: criteria provided, conflicting classifications (1 of 4 stars). 7 submissions from 6 submitters: Uncertain significance (6); Likely benign (1). Last evaluated 2026-03-05.

Conditions:
Dilated cardiomyopathy 1AA (CMD1AA). Also called: CARDIOMYOPATHY, DILATED, 1AA, WITH OR WITHOUT LEFT VENTRICULAR NONCOMPACTION; CARDIOMYOPATHY, FAMILIAL HYPERTROPHIC, 23, WITH OR WITHOUT LEFT VENTRICULAR NONCOMPACTION; Cardiomyopathy, dilated, 1AA, with or without LVNC. Identifiers: Orphanet 154, MedGen C2677338, MONDO:0012808, OMIM 612158.
Myopathy, congenital, with structured cores and z-line abnormalities. Also called: MULTIPLE STRUCTURED CORE DISEASE; CONGENITAL MYOPATHY 8. Identifiers: MedGen C5231445, MONDO:0032852, OMIM 618654.
Myopathy, distal, 6, adult-onset, autosomal dominant. Identifiers: MedGen C5203349, MONDO:0032853, OMIM 618655.
Cardiovascular phenotype. Identifiers: MedGen CN230736.
Primary familial hypertrophic cardiomyopathy (HCM). Identifiers: Orphanet 99739, MedGen C0949658, MeSH D024741, MONDO:0024573. Inheritance: Various modes of inheritance.

Allele frequency attached by ClinVar (database versions not stated): TOPMed 0.00001; gnomAD exomes 0.00003 and 0.00004; ExAC 0.00004.
gnomAD v4.1: 65 of 1,613,924 alleles (0.004%); highest among the groups gnomAD compares: Non-Finnish European, 0.0053%; no homozygotes.

Submissions (7):

Broad Center for Mendelian Genomics, Broad Institute of MIT and Harvard
Classification: Uncertain significance for Myopathy, distal, 6, adult-onset, autosomal dominant. Last evaluated: 2026-03-05. Review status: criteria provided, single submitter. Criteria: ACMG Guidelines, 2015. Collection method: research. Allele origin: germline. Inheritance: Autosomal dominant inheritance. Study: GREGoR Consortium.
Comment: The heterozygous p.Ala732Thr variant in ACTN2 was identified by the Broad Institute Rare Genomes Project in 4 family members with distal myopathy and/or cardiomyopathy (publication in progress). However, this family carries another ACTN2 variant in cis (p.Asp841fs, ClinVar Variation ID 201652) that is more likely to explain their disease. The p.Ala732Thr variant has also been reported in 2 individuals with cardiomyopathy (PMID: 20474083, 32826072), and has been identified in 0.007% (8/113766) of European (non-Finnish) chromosomes by the Genome Aggregation Database (gnomAD; dbSNP {rs777744290}). This variant has been seen in the general population, in a heterozygous state, at greater rate than expected for disorder. This variant has also been reported in ClinVar (Variation ID: 201647) and has been interpreted as a variant of uncertain significance by GeneDx, Laboratory for Molecular Medicine (Mass General Brigham Personalized Medicine}, Ambry Genetics, and Fulgent Genetics and as likely benign by Invitae. Computational prediction tools and conservation analyses do not provide strong support for or against an impact to the protein. In summary, while the clinical significance of the p.Ala732Thr variant is uncertain, these data suggest that it is more likely to be benign. ACMG/AMP Criteria applied: BS1_supporting, BP2, PP1 (Richards 2015).

Labcorp Genetics (formerly Invitae), Labcorp
Classification: Likely benign for Primary familial hypertrophic cardiomyopathy; Dilated cardiomyopathy 1AA. Last evaluated: 2025-11-26. Review status: criteria provided, single submitter. Criteria: Invitae Variant Classification Sherloc (09022015). Collection method: clinical testing. Allele origin: germline.

Ambry Genetics
Classification: Uncertain significance for Cardiovascular phenotype. Last evaluated: 2024-04-03. Review status: criteria provided, single submitter. Criteria: Ambry Variant Classification Scheme 2023. Collection method: clinical testing. Allele origin: germline.
Comment: The p.A732T variant (also known as c.2194G>A), located in coding exon 18 of the ACTN2 gene, results from a G to A substitution at nucleotide position 2194. The alanine at codon 732 is replaced by threonine, an amino acid with similar properties. This variant was first detected in conjunction with another ACTN2 alteration in an individual with dilated cardiomyopathy (DCM); however, the phase of these alterations was unknown (Zimmerman et al. Genet. Med. 2010;12(5):268-78). Additionally, this alteration has been reported in a DCM cohort (Pe&ntilde;a-Pe&ntilde;a ML et al. Med Clin (Barc), 2021 May;156:485-495). This amino acid position is highly conserved in available vertebrate species. In addition, the in silico prediction for this alteration is inconclusive. Based on the available evidence, the clinical significance of this variant remains unclear.

Broad Center for Mendelian Genomics, Broad Institute of MIT and Harvard
Classification: Uncertain significance for Myopathy, distal, 6, adult-onset, autosomal dominant. Last evaluated: 2023-09-29. Review status: criteria provided, single submitter. Criteria: ACMG Guidelines, 2015. Collection method: research. Allele origin: germline. Inheritance: Autosomal dominant inheritance. Affected: yes. Observed: 1 heterozygote.
Comment: The heterozygous p.Ala732Thr variant in ACTN2 was identified by the Broad Institute Rare Genomes Project in 4 family members with distal myopathy and/or cardiomyopathy (publication in progress). However, this family carries another ACTN2 variant in cis (p.Asp841fs, ClinVar Variation ID: 201652) that is more likely to explain their disease. The p.Ala732Thr variant has also been reported in 2 individuals with cardiomyopathy (PMID: 20474083, 32826072), and has been identified in 0.007% (8/113766) of European (non-Finnish) chromosomes by the Genome Aggregation Database (gnomAD; dbSNP {rs777744290}). This variant has been seen in the general population, in a heterozygous state, at greater rate than expected for disorder. This variant has also been reported in ClinVar (Variation ID: 201647) and has been interpreted as a variant of uncertain significance by GeneDx, Laboratory for Molecular Medicine (Mass General Brigham Personalized Medicine}, Ambry Genetics, and Fulgent Genetics and as likely benign by Invitae. Computational prediction tools and conservation analyses do not provide strong support for or against an impact to the protein. In summary, while the clinical significance of the p.Ala732Thr variant is uncertain, these data suggest that it is more likely to be benign. ACMG/AMP Criteria applied: BS1_supporting, BP2, PP1 (Richards 2015).

Fulgent Genetics
Classification: Uncertain significance for Dilated cardiomyopathy 1AA; Myopathy, congenital, with structured cores and z-line abnormalities; Myopathy, distal, 6, adult-onset, autosomal dominant. Last evaluated: 2021-10-13. Review status: criteria provided, single submitter. Criteria: ACMG Guidelines, 2015. Collection method: clinical testing. Allele origin: unknown.

GeneDx
Classification: Uncertain significance. Last evaluated: 2018-09-10. Review status: criteria provided, single submitter. Criteria: GeneDx Variant Classification (06012015). Collection method: clinical testing. Allele origin: germline. Affected: yes.
Comment: The Ala732Thr variant in the ACTN2 gene has not been reported as a disease-causing mutation or as a benign polymorphism to our knowledge. Ala732Thr results in a non-conservative amino acid substitution of a nonpolar Alanine with a polar Threonine at a position that is conserved across species. In silico analysis predicts Ala732Thr is damaging to the protein structure/function. The Ala732Thr variant was not observed in approximately 6,500 individuals of European and African American ancestry in the NHLBI Exome Sequencing Project, indicating it is not a common benign variant in these populations. Nevertheless, no mutations in nearby residues have been reported in association with DCM. With the clinical and molecular information available at this time, we cannot definitively determine if Ala732Thr are disease-causing mutations or rare benign variants. The variant is found in DCM panel(s).

Laboratory for Molecular Medicine, Mass General Brigham Personalized Medicine
Classification: Uncertain significance. Last evaluated: 2015-12-03. Review status: criteria provided, single submitter. Criteria: LMM Criteria. Collection method: clinical testing. Allele origin: germline. Observed: 2 variant alleles.
Comment: The p.Ala732Thr variant in ACTN2 has been identified by our laboratory in 2 indi viduals: 1 with HCM and 1 DCM. However, both individuals carried an additional v ariant of likely clinical significance (Zimmerman 2010, LMM unpublished data). The p.Ala732Thr variant has also been identified in 5/66736 of European chromoso mes by the Exome Aggregation Consortium (ExAC). Computational prediction tools and conservation analysis suggest that the p.Ala7 32Thr variant may impact the protein, though this information is not predictive enough to determine pathogenicity. In summary, the clinical significance of the p.Ala732Thr variant is uncertain.

Literature cited by the submitters: PubMed 32826072 (cited by Ambry Genetics and Broad Center for Mendelian Genomics, Broad Institute of MIT and Harvard); PubMed 20474083 (cited by Broad Center for Mendelian Genomics, Broad Institute of MIT and Harvard and Laboratory for Molecular Medicine, Mass General Brigham Personalized Medicine).

NM_001103.4(ACTN2):c.2194G>A (p.Ala732Thr)

Gene: ACTN2 (actinin alpha 2; plus strand). Cytogenetic location: 1q43.
Variant type: single nucleotide variant.
Coding change: c.2194G>A on transcript NM_001103.4 (MANE Select); coding-DNA position 2194, G replaced by A.
Protein change: p.Ala732Thr; replaces alanine 732 with threonine.
Molecular consequence: missense variant.
Genome position (GRCh38, 1-based): chr1:236,757,525, G>A. VCF-style: chr1-236757525-G-A. GRCh37 (hg19) VCF-style: chr1-236920825-G-A.
Other names: p.A732T:GCC>ACC; NM_001103.4(ACTN2):c.2194G>A; c.2194G>A, p.Ala732Thr (NM_001278343.2); c.1570G>A, p.Ala524Thr (NM_001278344.2); short protein forms A732T, A524T.
Identifiers: ClinVar variation 201647 (VCV000201647.26), dbSNP rs777744290, ClinGen allele CA335043.